The following is an entry in ClinVar:

NM_000070.3(CAPN3):c.930T>C (p.Asp310=)

Gene: CAPN3 (calpain 3; plus strand). Cytogenetic location: 15q15.1.
Variant type: single nucleotide variant.
Coding change: c.930T>C on transcript NM_000070.3 (MANE Select); coding-DNA position 930, T replaced by C.
Protein change: p.Asp310=; no amino-acid change (aspartic acid 310 retained).
Molecular consequence: synonymous variant. On other transcripts: intron variant (1).
Genome position (GRCh38, 1-based): chr15:42,390,081, T>C. VCF-style: chr15-42390081-T-C. GRCh37 (hg19) VCF-style: chr15-42682279-T-C.
Other names: c.930T>C, p.Asp310= (NM_024344.2); c.801+985T>C (NM_173087.2).
Identifiers: ClinVar variation 281357 (VCV000281357.28), dbSNP rs150356488, ClinGen allele CA7511168.

ClinVar aggregate classification (germline): Conflicting classifications of pathogenicity. Review status: criteria provided, conflicting classifications (1 of 4 stars). 6 submissions from 6 submitters: Uncertain significance (1); Benign (2); Likely benign (2). 1 of the submissions does not count toward it. Last evaluated 2026-01-28.

Conditions:
CAPN3-related disorder. Also called: CAPN3-related condition; CAPN3-related disorders. Identifiers: MedGen CN239245.
Autosomal recessive limb-girdle muscular dystrophy type 2A (LGMDR1). Also called: Muscular dystrophy, limb-girdle, type 2A, Amish; Limb-girdle muscular dystrophy, type 2A; Calpainopathy; LEYDEN-MOEBIUS MUSCULAR DYSTROPHY; MUSCULAR DYSTROPHY, PELVOFEMORAL. Identifiers: Orphanet 267, MedGen C1869123, MONDO:0009675, OMIM 253600. Disease mechanism: loss of function.

Allele frequency attached by ClinVar (database versions not stated): gnomAD exomes 0.00059; ExAC 0.00074; gnomAD 0.00242 and 0.00259; 1000 Genomes Project 0.00260; TOPMed 0.00262; 1000 Genomes Project 30x 0.00265; ESP Exome Variant Server 0.00315.

Submissions (6):

Labcorp Genetics (formerly Invitae), Labcorp
Classification: Benign for Autosomal recessive limb-girdle muscular dystrophy type 2A. Last evaluated: 2026-01-28. Review status: criteria provided, single submitter. Criteria: Invitae Variant Classification Sherloc (09022015). Collection method: clinical testing. Allele origin: germline.

Blueprint Genetics
Classification: Likely benign. Last evaluated: 2024-10-24. Review status: criteria provided, single submitter. Criteria: ACMG Guidelines, 2015. Collection method: clinical testing. Allele origin: germline.

GeneDx
Classification: Likely benign. Last evaluated: 2020-08-26. Review status: criteria provided, single submitter. Criteria: GeneDx Variant Classification Process June 2021. Collection method: clinical testing. Allele origin: germline. Affected: yes.

Illumina Laboratory Services, Illumina
Classification: Uncertain significance for Limb-girdle muscular dystrophy, type 2A. Last evaluated: 2018-01-13. Review status: criteria provided, single submitter. Criteria: ICSL Variant Classification Criteria 13 December 2019. Collection method: clinical testing. Allele origin: germline.

Eurofins Ntd Llc (ga)
Classification: Benign. Last evaluated: 2015-06-11. Review status: criteria provided, single submitter. Criteria: EGL Classification Definitions 2015. Collection method: clinical testing. Allele origin: germline. Observed: 1 variant allele, 1 heterozygote.

PreventionGenetics, part of Exact Sciences
Classification: Benign for CAPN3-related condition. Last evaluated: 2019-04-29. Review status: no assertion criteria provided. Collection method: clinical testing. Allele origin: germline. Not counted in ClinVar's aggregate classification.
Comment: This variant is classified as benign based on ACMG/AMP sequence variant interpretation guidelines (Richards et al. 2015 PMID: 25741868, with internal and published modifications).